The following is an entry in ClinVar:

NM_001376.5(DYNC1H1):c.271G>A (p.Glu91Lys)

Gene: DYNC1H1 (dynein cytoplasmic 1 heavy chain 1; plus strand). Cytogenetic location: 14q32.31.
Variant type: single nucleotide variant.
Coding change: c.271G>A on transcript NM_001376.5 (MANE Select); coding-DNA position 271, G replaced by A.
Protein change: p.Glu91Lys; replaces glutamic acid 91 with lysine.
Molecular consequence: missense variant.
Genome position (GRCh38, 1-based): chr14:101,975,726, G>A. VCF-style: chr14-101975726-G-A. GRCh37 (hg19) VCF-style: chr14-102442063-G-A.
Other names: short protein forms E91K.
Identifiers: ClinVar variation 3251009 (VCV003251009.18), dbSNP rs2503672148.

ClinVar aggregate classification (germline): Uncertain significance (1 of 4 stars; one submission).

Submission:

CeGaT Center for Human Genetics Tuebingen
Classification: Uncertain significance. Last evaluated: 2024-06-01. Review status: criteria provided, single submitter. Criteria: CeGaT Center For Human Genetics Tuebingen Variant Classification Criteria Version 2. Collection method: clinical testing. Allele origin: germline. Affected: yes. Observed: 1 variant allele.
Comment: DYNC1H1: PM2, PP2